The following is an entry in ClinVar:

NM_001429.4(EP300):c.1067A>T (p.Gln356Leu)

Gene: EP300 (EP300 lysine acetyltransferase; plus strand). Cytogenetic location: 22q13.2.
Variant type: single nucleotide variant.
Coding change: c.1067A>T on transcript NM_001429.4 (MANE Select); coding-DNA position 1067, A replaced by T.
Protein change: p.Gln356Leu; replaces glutamine 356 with leucine.
Molecular consequence: missense variant.
Genome position (GRCh38, 1-based): chr22:41,127,647, A>T. VCF-style: chr22-41127647-A-T. GRCh37 (hg19) VCF-style: chr22-41523651-A-T.
Other names: c.1067A>T, p.Gln356Leu (NM_001362843.2); short protein forms Q356L.
Identifiers: ClinVar variation 3275607 (VCV003275607.4).

ClinVar aggregate classification (germline): Uncertain significance. Review status: criteria provided, multiple submitters, no conflicts (2 of 4 stars). 3 submissions from 3 submitters: Uncertain significance (3). Last evaluated 2025-12-15.

Conditions:
EP300-related disorder. Also called: EP300-related condition; EP300-related disorders.
Rubinstein-Taybi syndrome due to EP300 haploinsufficiency. Also called: EP300-Related Rubinstein-Taybi Syndrome; RUBINSTEIN-TAYBI SYNDROME 2. Identifiers: Orphanet 353284, Orphanet 783, MedGen C3150941, MONDO:0013364, OMIM 613684.
Inborn genetic diseases. Identifiers: MedGen C0950123, MeSH D030342.

gnomAD v4.1: 2 of 1,614,224 alleles (0.00012%); highest among the groups gnomAD compares: Non-Finnish European, 0.00017%; no homozygotes.

Submissions (3):

Labcorp Genetics (formerly Invitae), Labcorp
Classification: Uncertain significance for Rubinstein-Taybi syndrome due to EP300 haploinsufficiency. Last evaluated: 2025-12-15. Review status: criteria provided, single submitter. Criteria: Invitae Variant Classification Sherloc (09022015). Collection method: clinical testing. Allele origin: germline.
Comment: This sequence change replaces glutamine, which is neutral and polar, with leucine, which is neutral and non-polar, at codon 356 of the EP300 protein (p.Gln356Leu). This variant is present in population databases (rs372759663, gnomAD 0.002%). This variant has not been reported in the literature in individuals affected with EP300-related conditions. ClinVar contains an entry for this variant (Variation ID: 3275607). Invitae Evidence Modeling of protein sequence and biophysical properties (such as structural, functional, and spatial information, amino acid conservation, physicochemical variation, residue mobility, and thermodynamic stability) has been performed for this missense variant. However, the output from this modeling did not meet the statistical confidence thresholds required to predict the impact of this variant on EP300 protein function. In summary, the available evidence is currently insufficient to determine the role of this variant in disease. Therefore, it has been classified as a Variant of Uncertain Significance.

PreventionGenetics, part of Exact Sciences
Classification: Uncertain significance for EP300-related condition. Last evaluated: 2024-12-23. Review status: criteria provided, single submitter. Criteria: ACMG Guidelines, 2015. Collection method: clinical testing. Allele origin: germline.
Comment: The EP300 c.1067A>T variant is predicted to result in the amino acid substitution p.Gln356Leu. To our knowledge, this variant has not been reported in the literature. This variant is reported in 0.00088% of alleles in individuals of European (Non-Finnish) descent in gnomAD. At this time, the clinical significance of this variant is uncertain due to the absence of conclusive functional and genetic evidence.

Ambry Genetics
Classification: Uncertain significance for Inborn genetic diseases. Last evaluated: 2024-06-05. Review status: criteria provided, single submitter. Criteria: Ambry Variant Classification Scheme 2023. Collection method: clinical testing. Allele origin: germline.